The following is an entry in ClinVar:

NM_007192.4(SUPT16H):c.1481_1484del (p.Thr494fs)

Gene: SUPT16H (SPT16 homolog, facilitates chromatin remodeling subunit; minus strand). Cytogenetic location: 14q11.2.
Variant type: Deletion.
Coding change: c.1481_1484del on transcript NM_007192.4 (MANE Select); coding-DNA positions 1481 to 1484, 4 bases deleted (CTGA; older notation c.1481_1484delCTGA).
Protein change: p.Thr494fs; shifts the reading frame from threonine 494.
Molecular consequence: frameshift variant.
Genome position (GRCh38, 1-based): chr14:21,363,061-21,363,064, TCAG deleted on the plus strand (CTGA on the coding strand, the reverse complement: SUPT16H is on the minus strand); deleting any 4 consecutive bases within chr14:21,363,061-21,363,067 gives the same sequence; the c. name uses the placement nearest the transcript's 3' end. VCF-style (leftmost placement, unchanged base first): chr14-21363060-TTCAG-T. GRCh37 (hg19) VCF-style: chr14-21831219-TTCAG-T.
Other names: short protein forms T494fs.
Identifiers: ClinVar variation 4532600 (VCV004532600.1).

ClinVar aggregate classification (germline): Uncertain significance (1 of 4 stars; one submission).

Submission:

GeneDx
Classification: Uncertain significance. Last evaluated: 2025-05-25. Review status: criteria provided, single submitter. Criteria: GeneDx Variant Classification Process June 2021. Collection method: clinical testing. Allele origin: germline. Affected: yes.
Comment: Not observed at significant frequency in large population cohorts (gnomAD); Frameshift variant predicted to result in protein truncation or nonsense mediated decay in a gene or region of a gene for which loss of function is not a well-established mechanism of disease; Has not been previously published as pathogenic or benign to our knowledge